The following is an entry in ClinVar:

NM_015072.5(TTLL5):c.3667G>T (p.Ala1223Ser)

Gene: TTLL5 (tubulin tyrosine ligase like 5; plus strand). Cytogenetic location: 14q24.3.
Variant type: single nucleotide variant.
Coding change: c.3667G>T on transcript NM_015072.5 (MANE Select); coding-DNA position 3667, G replaced by T.
Protein change: p.Ala1223Ser; replaces alanine 1223 with serine.
Molecular consequence: missense variant.
Genome position (GRCh38, 1-based): chr14:75,882,829, G>T. VCF-style: chr14-75882829-G-T. GRCh37 (hg19) VCF-style: chr14-76349172-G-T.
Other names: short protein forms A1223S.
Identifiers: ClinVar variation 713374 (VCV000713374.13), dbSNP rs10130991, ClinGen allele CA7280101.

ClinVar aggregate classification (germline): Benign/Likely benign. Review status: criteria provided, multiple submitters, no conflicts (2 of 4 stars). 3 submissions from 3 submitters: Benign (2); Likely benign (1). Last evaluated 2026-02-02.

Allele frequency attached by ClinVar (database versions not stated): 1000 Genomes Project 0.00599; 1000 Genomes Project 30x 0.00671; ESP Exome Variant Server 0.00923; TOPMed 0.00932.
gnomAD v4.1: 2,447 of 1,614,030 alleles (0.15%); highest among the groups gnomAD compares: African/African-American, 3%; 41 homozygotes.

Submissions (3):

Labcorp Genetics (formerly Invitae), Labcorp
Classification: Benign. Last evaluated: 2026-02-02. Review status: criteria provided, single submitter. Criteria: Invitae Variant Classification Sherloc (09022015). Collection method: clinical testing. Allele origin: germline.

GeneDx
Classification: Likely benign. Last evaluated: 2021-10-26. Review status: criteria provided, single submitter. Criteria: GeneDx Variant Classification Process June 2021. Collection method: clinical testing. Allele origin: germline. Affected: yes.
Comment: See Variant Classification Assertion Criteria.

Breakthrough Genomics
Classification: Benign. Review status: criteria provided, single submitter. Criteria: ACMG Guidelines, 2015. Collection method: not provided. Allele origin: germline. Inheritance: Autosomal recessive inheritance. Affected: yes.